The following is an entry in ClinVar:

NM_000169.3(GLA):c.1085_1098del (p.Pro362fs)

Genes: GLA (galactosidase alpha; minus strand), RPL36A-HNRNPH2 (RPL36A-HNRNPH2 readthrough; plus strand). Cytogenetic location: Xq22.1.
Variant type: Deletion.
Coding change: c.1085_1098del on transcript NM_000169.3 (MANE Select); coding-DNA positions 1085 to 1098, 14 bases deleted (CTCGCTCTTATACC).
Protein change: p.Pro362fs; shifts the reading frame from proline 362.
Molecular consequence: frameshift variant. On other transcripts: non-coding transcript variant (3), intron variant (2).
Genome position (GRCh38, 1-based): chrX:101,398,001-101,398,014, GGTATAAGAGCGAG deleted on the plus strand (CTCGCTCTTATACC on the coding strand, the reverse complement: GLA is on the minus strand); deleting any 14 consecutive bases within chrX:101,398,001-101,398,015 gives the same sequence; the c. name uses the placement nearest the transcript's 3' end. VCF-style (leftmost placement, unchanged base first): chrX-101398000-TGGTATAAGAGCGAG-T. GRCh37 (hg19) VCF-style: chrX-100652988-TGGTATAAGAGCGAG-T.
Other names: c.1208_1221del, p.Pro403fs (NM_001406747.1); c.300+2545_300+2558del (NM_001199973.2); c.177+6180_177+6193del (NM_001199974.2); short protein forms P362fs, P403fs.
Identifiers: ClinVar variation 4087055 (VCV004087055.2).

ClinVar aggregate classification (germline): Pathogenic (1 of 4 stars; one submission).

Conditions:
Fabry disease. Also called: ALPHA-GALACTOSIDASE A DEFICIENCY; ANDERSON-FABRY DISEASE; CERAMIDE TRIHEXOSIDASE DEFICIENCY; GLA DEFICIENCY; HEREDITARY DYSTOPIC LIPIDOSIS; Angiokeratoma corporis diffusum. Identifiers: Orphanet 324, MedGen C0002986, MONDO:0010526, OMIM 301500, HP:0001071. Disease mechanism: Fabry disease is due to inactivating mutations in the X-linked GLA gene resulting in deficiency of the enzyme Alpha Galactosidase-A., loss of function.

Submission:

Genomenon, Inc
Classification: Pathogenic for Fabry disease. Last evaluated: 2026-09-08. Review status: criteria provided, single submitter. Criteria: Genomenon Sequence Variant Interpretation Standards - Updated. Collection method: curation. Allele origin: germline. Affected: yes.
Comment: GLA p.Pro362HisfsTer8 (c.1085_1098del) is a frameshift variant that is predicted to introduce a premature termination codon and result in a truncated or absent protein product. This variant has been observed in at least one proband with clinical features consistent with Fabry disease (PMID:36140787). The variant was found to segregate with disease in at least one affected family (PMID:36140787). It is absent or not present at a significant frequency in gnomAD. In conclusion, we classify GLA p.Pro362HisfsTer8 (c.1085_1098del) as a pathogenic variant.

Literature cited by the submitters: PubMed 36140787.